The following is an entry in ClinVar:

ClinVar aggregate classification (germline): Uncertain significance (1 of 4 stars; one submission).

Conditions:
Mitochondrial complex V (ATP synthase) deficiency, nuclear type 2. Also called: Nuclear-Encoded ATPase Deficiency, TMEM70-Related; ENCEPHALOCARDIOMYOPATHY, MITOCHONDRIAL, NEONATAL, DUE TO ATP SYNTHASE DEFICIENCY; MITOCHONDRIAL COMPLEX V (ATP SYNTHASE) DEFICIENCY, TMEM70 TYPE. Identifiers: Orphanet 1194, MedGen C3279699, MONDO:0013546, OMIM 614052.

Allele frequency attached by ClinVar (database versions not stated): gnomAD exomes 0.00002.
gnomAD v4.1: 9 of 1,614,096 alleles (0.00056%); highest among the groups gnomAD compares: East Asian, 0.02%; no homozygotes.

Submission:

Labcorp Genetics (formerly Invitae), Labcorp
Classification: Uncertain significance for Mitochondrial complex V (ATP synthase) deficiency, nuclear type 2. Last evaluated: 2022-09-27. Review status: criteria provided, single submitter. Criteria: Invitae Variant Classification Sherloc (09022015). Collection method: clinical testing. Allele origin: germline.
Comment: In summary, the available evidence is currently insufficient to determine the role of this variant in disease. Therefore, it has been classified as a Variant of Uncertain Significance. Algorithms developed to predict the effect of sequence changes on RNA splicing suggest that this variant may create or strengthen a splice site. Algorithms developed to predict the effect of missense changes on protein structure and function are either unavailable or do not agree on the potential impact of this missense change (SIFT: "Deleterious"; PolyPhen-2: "Benign"; Align-GVGD: "Class C0"). This variant has not been reported in the literature in individuals affected with TMEM70-related conditions. This variant is present in population databases (no rsID available, gnomAD 0.006%). This sequence change replaces alanine, which is neutral and non-polar, with glycine, which is neutral and non-polar, at codon 131 of the TMEM70 protein (p.Ala131Gly).

NM_017866.6(TMEM70):c.392C>G (p.Ala131Gly)

Gene: TMEM70 (transmembrane protein 70; plus strand). Cytogenetic location: 8q21.11.
Variant type: single nucleotide variant.
Coding change: c.392C>G on transcript NM_017866.6 (MANE Select); coding-DNA position 392, C replaced by G.
Protein change: p.Ala131Gly; replaces alanine 131 with glycine.
Molecular consequence: missense variant. On other transcripts: 3 prime UTR variant (1), non-coding transcript variant (1).
Genome position (GRCh38, 1-based): chr8:73,981,230, C>G. VCF-style: chr8-73981230-C-G. GRCh37 (hg19) VCF-style: chr8-74893465-C-G.
Other names: c.*82C>G (NM_001040613.3); short protein forms A131G.
Identifiers: ClinVar variation 2093554 (VCV002093554.3), dbSNP rs150790446, ClinGen allele CA371489892.
Genomic context (GRCh38, chr8:73,981,230, plus strand): 5'-CTTATTCTACGAGTCTGATTGGCCTTACATTTCTGCCATACATTTTTACACAAAATAATG[C>G]TATTTCTGAAAGTGTGCCTCTGCCTATTCAAATCATATTCTATGGCATCATGGGAAGCTT-3'
Protein context (NP_060336.3, residues 121-141): FLPYIFTQNN[Ala131Gly]ISESVPLPIQ